The following is an entry in ClinVar:

NM_002451.4(MTAP):c.*3829T>C

Gene: MTAP (methylthioadenosine phosphorylase; plus strand). Cytogenetic location: 9p21.3.
Variant type: single nucleotide variant.
Coding change: c.*3829T>C on transcript NM_002451.4 (MANE Select); 3829 bases downstream of the stop codon, T replaced by C.
Molecular consequence: 3 prime UTR variant.
Genome position (GRCh38, 1-based): chr9:21,865,843, T>C. VCF-style: chr9-21865843-T-C. GRCh37 (hg19) VCF-style: chr9-21865842-T-C.
Identifiers: ClinVar variation 366314 (VCV000366314.6), dbSNP rs6475592, ClinGen allele CA10633574.
Genomic context (GRCh38, chr9:21,865,843, plus strand): 5'-CATGCATTATTTCTTTGTTTTGAAGATTCACTCATGTTGCATGCATCTGTAGCTTGTGCC[T>C]TTTTTATTGCCTAGTAGTATTCTGTCATATGCCTATCTTACAATTTGATTATCTATTCAC-3'

ClinVar aggregate classification (germline): Benign. Review status: criteria provided, multiple submitters, no conflicts (2 of 4 stars). 2 submissions from 2 submitters: Benign (2). Last evaluated 2018-01-13.

Conditions:
Diaphyseal medullary stenosis-bone malignancy syndrome. Also called: MYOPATHY, LIMB-GIRDLE, WITH BONE FRAGILITY; BONE DYSPLASIA WITH MALIGNANT FIBROUS HISTIOCYTOMA; BONE DYSPLASIA WITH MEDULLARY FIBROSARCOMA. Identifiers: Orphanet 85182, MedGen C1862177, MONDO:0007205, OMIM 112250.

Allele frequency attached by ClinVar (database versions not stated): gnomAD 0.43764 and 0.44086; TOPMed 0.46796; 1000 Genomes Project 0.53275; 1000 Genomes Project 30x 0.54247.
gnomAD v4.1: 289,319 of 948,484 alleles (31%); highest among the groups gnomAD compares: African/African-American, 69%; 50,382 homozygotes.

Submissions (2):

Illumina Laboratory Services, Illumina
Classification: Benign for Diaphyseal medullary stenosis-bone malignancy syndrome. Last evaluated: 2018-01-13. Review status: criteria provided, single submitter. Criteria: ICSL Variant Classification Criteria 13 December 2019. Collection method: clinical testing. Allele origin: germline.
Comment: This variant was observed in the ICSL laboratory as part of a predisposition screen in an ostensibly healthy population. It had not been previously curated by ICSL or reported in the Human Gene Mutation Database (HGMD: prior to June 1st, 2018), and was therefore a candidate for classification through an automated scoring system. Utilizing variant allele frequency, disease prevalence and penetrance estimates, and inheritance mode, an automated score was calculated to assess if this variant is too frequent to cause the disease. Based on the score and internal cut-off values, a variant classified as benign is not then subjected to further curation. The score for this variant resulted in a classification of benign for this disease.

Breakthrough Genomics
Classification: Benign. Review status: criteria provided, single submitter. Criteria: ACMG Guidelines, 2015. Collection method: not provided. Allele origin: germline. Inheritance: Autosomal dominant inheritance. Affected: yes.